The following is an entry in ClinVar:

ClinVar aggregate classification (germline): Likely pathogenic (1 of 4 stars; one submission).

Conditions:
Developmental delay, behavioral abnormalities, and neuropsychiatric disorders (DEDBANP). Identifiers: MedGen C5774224, MONDO:0859292, OMIM 620065.

Submission:

Human Genetics Bochum, Ruhr University Bochum
Classification: Likely pathogenic for Developmental delay, behavioral abnormalities, and neuropsychiatric disorders. Last evaluated: 2025-12-02. Review status: criteria provided, single submitter. Criteria: ACMG Guidelines, 2015. Collection method: clinical testing. Allele origin: germline. Affected: yes.
Comment: ACMG criteria used to clasify this variant: PVS1, PM2_SUP

NM_014921.5(ADGRL1):c.3477_3480del (p.Phe1160fs)

Genes: ADGRL1 (adhesion G protein-coupled receptor L1; minus strand), ADGRL1-AS1 (ADGRL1 antisense RNA 1; plus strand). Cytogenetic location: 19p13.12.
Variant type: Deletion.
Coding change: c.3477_3480del on transcript NM_014921.5 (MANE Select); coding-DNA positions 3477 to 3480, 4 bases deleted (CTTC; older notation c.3477_3480delCTTC).
Protein change: p.Phe1160fs; shifts the reading frame from phenylalanine 1160.
Molecular consequence: frameshift variant.
Genome position (GRCh38, 1-based): chr19:14,152,557-14,152,560, GAAG deleted on the plus strand (CTTC on the coding strand, the reverse complement: ADGRL1 is on the minus strand); deleting any 4 consecutive bases within chr19:14,152,557-14,152,562 gives the same sequence; the c. name uses the placement nearest the transcript's 3' end. VCF-style (leftmost placement, unchanged base first): chr19-14152556-TGAAG-T. GRCh37 (hg19) VCF-style: chr19-14263368-TGAAG-T.
Other names: c.3492_3495del, p.Phe1165fs (NM_001008701.3); short protein forms F1160fs, F1165fs.
Identifiers: ClinVar variation 4687976 (VCV004687976.1).